The following is an entry in ClinVar:

ClinVar aggregate classification (germline): Conflicting classifications of pathogenicity. Review status: criteria provided, conflicting classifications (1 of 4 stars). 2 submissions from 2 submitters: Likely pathogenic (1); Uncertain significance (1). Last evaluated 2025-01-29.

Submissions (2):

Labcorp Genetics (formerly Invitae), Labcorp
Classification: Likely pathogenic. Last evaluated: 2025-01-29. Review status: criteria provided, single submitter. Criteria: Invitae Variant Classification Sherloc (09022015). Collection method: clinical testing. Allele origin: germline.
Comment: This sequence change replaces aspartic acid, which is acidic and polar, with alanine, which is neutral and non-polar, at codon 578 of the LHCGR protein (p.Asp578Ala). This variant is not present in population databases (gnomAD no frequency). This missense change has been observed in individuals with clinical features of autosomal dominant precocious puberty (PMID: 32757547; internal data). ClinVar contains an entry for this variant (Variation ID: 447700). Invitae Evidence Modeling of protein sequence and biophysical properties (such as structural, functional, and spatial information, amino acid conservation, physicochemical variation, residue mobility, and thermodynamic stability) indicates that this missense variant is expected to disrupt LHCGR protein function with a positive predictive value of 80%. This variant disrupts the p.Asp578 amino acid residue in LHCGR. Other variant(s) that disrupt this residue have been determined to be pathogenic (PMID: 7692306, 30283825). This suggests that this residue is clinically significant, and that variants that disrupt this residue are likely to be disease-causing. In summary, the currently available evidence indicates that the variant is pathogenic, but additional data are needed to prove that conclusively. Therefore, this variant has been classified as Likely Pathogenic.

Athena Diagnostics
Classification: Uncertain significance. Last evaluated: 2017-06-28. Review status: criteria provided, single submitter. Criteria: Athena Diagnostics Criteria. Collection method: clinical testing. Allele origin: germline.

Literature cited by the submitters: PubMed 32757547 (cited by Labcorp Genetics (formerly Invitae), Labcorp); PubMed 7692306 (cited by Labcorp Genetics (formerly Invitae), Labcorp); PubMed 30283825 (cited by Labcorp Genetics (formerly Invitae), Labcorp).

NM_000233.4(LHCGR):c.1733A>C (p.Asp578Ala)

Genes: STON1-GTF2A1L (STON1-GTF2A1L readthrough; plus strand), LHCGR (luteinizing hormone/choriogonadotropin receptor; minus strand). Cytogenetic location: 2p16.3.
Variant type: single nucleotide variant.
Coding change: c.1733A>C on transcript NM_000233.4 (MANE Select); coding-DNA position 1733, A replaced by C.
Protein change: p.Asp578Ala; replaces aspartic acid 578 with alanine.
Molecular consequence: missense variant. On other transcripts: intron variant (1).
Genome position (GRCh38, 1-based): chr2:48,688,064, T>G on the plus strand (A>C on the coding strand, the complement: LHCGR is on the minus strand). VCF-style: chr2-48688064-T-G. GRCh37 (hg19) VCF-style: chr2-48915203-T-G.
Other names: c.3441+16384T>G (NM_001198593.2); short protein forms D578A.
Identifiers: ClinVar variation 447700 (VCV000447700.3), dbSNP rs121912518, ClinGen allele CA346744915.